The following is an entry in ClinVar:

ClinVar aggregate classification (germline): Pathogenic (1 of 4 stars; one submission).

Conditions:
Ehlers-Danlos syndrome, classic type, 1 (EDSCL1). Also called: Ehlers-Danlos Syndrome, Classic Type, COL5A1-Related; EDS I; Ehlers-Danlos syndrome, type 1; EHLERS-DANLOS SYNDROME, GRAVIS TYPE; EHLERS-DANLOS SYNDROME, SEVERE CLASSIC TYPE. Identifiers: MedGen C0268335, MONDO:0019567, OMIM 130000.

Submission:

Labcorp Genetics (formerly Invitae), Labcorp
Classification: Pathogenic for Ehlers-Danlos syndrome, classic type, 1. Last evaluated: 2018-04-29. Review status: criteria provided, single submitter. Criteria: Invitae Variant Classification Sherloc (09022015). Collection method: clinical testing. Allele origin: germline.
Comment: This sequence change creates a premature translational stop signal (p.Pro1109Leufs*173) in the COL5A1 gene. It is expected to result in an absent or disrupted protein product. This variant is not present in population databases (ExAC no frequency). This variant has not been reported in the literature in individuals with COL5A1-related disease. Loss-of-function variants in COL5A1 are known to be pathogenic (PMID: 23587214). For these reasons, this variant has been classified as Pathogenic.

Literature cited by the submitters: PubMed 23587214.

NM_000093.5(COL5A1):c.3309_3325dup (p.Pro1109fs)

Gene: COL5A1 (collagen type V alpha 1 chain; plus strand). Cytogenetic location: 9q34.3.
Variant type: Duplication.
Coding change: c.3309_3325dup on transcript NM_000093.5 (MANE Select); coding-DNA positions 3309 to 3325, 17 bases duplicated (TCCAGGGAGACCTGGGC).
Protein change: p.Pro1109fs; shifts the reading frame from proline 1109.
Molecular consequence: frameshift variant.
Genome position (GRCh38, 1-based): chr9:134,806,239-134,806,255, TCCAGGGAGACCTGGGC duplicated. VCF-style (leftmost placement, unchanged base first): chr9-134806238-T-TTCCAGGGAGACCTGGGC. GRCh37 (hg19) VCF-style: chr9-137698084-T-TTCCAGGGAGACCTGGGC.
Other names: c.3309_3325dup, p.Pro1109fs (NM_001278074.1); short protein forms P1109fs.
Identifiers: ClinVar variation 568667 (VCV000568667.8), dbSNP rs1564471440, ClinGen allele CA891843054.
Genomic context (GRCh38, chr9:134,806,238, plus strand): 5'-CTCCACCTCAGGGATCTCCAGGGGAGAGAGGTCCAGCTGGAGCCGCTGGGCCCATCGGAA[T>TTCCAGGGAGACCTGGGC]TCCAGGGAGACCTGGGCCCCAGGGACCCCCAGGGCCGGCAGGAGAGAAAGGGGCTCCTGT-3'